The following is an entry in ClinVar:

NM_181078.3(IL21R):c.50-16C>A

Gene: IL21R (interleukin 21 receptor; plus strand). Cytogenetic location: 16p12.1.
Variant type: single nucleotide variant.
Coding change: c.50-16C>A on transcript NM_181078.3 (MANE Select); 16 bases into the intron before coding-DNA position 50, C replaced by A.
Molecular consequence: intron variant.
Genome position (GRCh38, 1-based): chr16:27,434,331, C>A. VCF-style: chr16-27434331-C-A. GRCh37 (hg19) VCF-style: chr16-27445652-C-A.
Other names: c.116-16C>A (NM_181079.5); c.50-16C>A (NM_021798.4).
Identifiers: ClinVar variation 1989935 (VCV001989935.4), dbSNP rs369236227, ClinGen allele CA976020650.
Genomic context (GRCh38, chr16:27,434,331, plus strand): 5'-CTCGAGGGGATGGAGAGGAAGCTCTGCAGTCCCAAGCCACCCCCCACCAAGGCCTCTCTC[C>A]CCACTGACCCTCCAGGCTGGGGCTGCCCCGACCTCGTCTGCTACACCGATTACCTCCAGA-3'

ClinVar aggregate classification (germline): Uncertain significance (1 of 4 stars; one submission).

Conditions:
Cryptosporidiosis-chronic cholangitis-liver disease syndrome. Also called: IL21R immunodeficiency; Immunodeficiency type 56. Identifiers: Orphanet 357329, MedGen C3554687, MONDO:0014082, OMIM 615207.

gnomAD v4.1: 2 of 1,571,294 alleles (0.00013%); highest among the groups gnomAD compares: Non-Finnish European, 0.00018%; no homozygotes.

Submission:

Labcorp Genetics (formerly Invitae), Labcorp
Classification: Uncertain significance for Cryptosporidiosis-chronic cholangitis-liver disease syndrome. Last evaluated: 2022-04-12. Review status: criteria provided, single submitter. Criteria: Invitae Variant Classification Sherloc (09022015). Collection method: clinical testing. Allele origin: germline.
Comment: In summary, the available evidence is currently insufficient to determine the role of this variant in disease. Therefore, it has been classified as a Variant of Uncertain Significance. Algorithms developed to predict the effect of sequence changes on RNA splicing suggest that this variant may create or strengthen a splice site. This variant has not been reported in the literature in individuals affected with IL21R-related conditions. This variant is not present in population databases (gnomAD no frequency). This sequence change falls in intron 2 of the IL21R gene. It does not directly change the encoded amino acid sequence of the IL21R protein.